The following is an entry in ClinVar:

NM_005045.4(RELN):c.2825del (p.Pro942fs)

Gene: RELN (reelin; minus strand). Cytogenetic location: 7q22.1.
Variant type: Deletion.
Coding change: c.2825del on transcript NM_005045.4 (MANE Select); coding-DNA position 2825, one base deleted (C; older notation c.2825delC).
Protein change: p.Pro942fs; shifts the reading frame from proline 942.
Molecular consequence: frameshift variant.
Genome position (GRCh38, 1-based): chr7:103,611,681, G deleted on the plus strand (C on the coding strand, the reverse complement: RELN is on the minus strand); the first of 4 consecutive G bases (chr7:103,611,681-103,611,684); deleting any one gives the same sequence. VCF-style (leftmost placement, unchanged base first): chr7-103611680-TG-T. GRCh37 (hg19) VCF-style: chr7-103252127-TG-T.
Other names: c.2825del, p.Pro942fs (NM_173054.3); short protein forms P942fs.
Identifiers: ClinVar variation 4784552 (VCV004784552.1).
Genomic context (GRCh38, chr7:103,611,680, plus strand): 5'-GAGGTGCCAGGTAAGGCCGTGGTTGGTTGAGTACTCCAGCTTCACCTGGTTGTCCATGTG[TG>T]GGGTGTATTTCTGGCCACATCCCATCACCAAACTGAACTGAATCATATAGGATGCTCCTA-3'

ClinVar aggregate classification (germline): Pathogenic (1 of 4 stars; one submission).

Conditions:
Norman-Roberts syndrome (LIS2). Also called: Lissencephaly 2 (Norman-Roberts type). Identifiers: Orphanet 89844, MedGen C0796089, MONDO:0009760, OMIM 257320.
Familial temporal lobe epilepsy 7. Identifiers: Orphanet 101046, MedGen C4225327, MONDO:0014639, OMIM 616436.

Submission:

Labcorp Genetics (formerly Invitae), Labcorp
Classification: Pathogenic for Familial temporal lobe epilepsy 7; Norman-Roberts syndrome. Last evaluated: 2025-04-17. Review status: criteria provided, single submitter. Criteria: Invitae Variant Classification Sherloc (09022015). Collection method: clinical testing. Allele origin: germline.
Comment: This sequence change creates a premature translational stop signal (p.Pro942Hisfs*7) in the RELN gene. It is expected to result in an absent or disrupted protein product. Loss-of-function variants in RELN are known to be pathogenic (PMID: 10973257, 26046367, 28454995). This variant is not present in population databases (gnomAD no frequency). This variant has not been reported in the literature in individuals affected with RELN-related conditions. For these reasons, this variant has been classified as Pathogenic.

Literature cited by the submitters: PubMed 10973257; PubMed 26046367; PubMed 28454995.